The following is an entry in ClinVar:

NM_001354604.2(MITF):c.881-6G>A

Gene: MITF (melanocyte inducing transcription factor; plus strand). Cytogenetic location: 3p13.
Variant type: single nucleotide variant.
Coding change: c.881-6G>A on transcript NM_001354604.2 (MANE Select); 6 bases into the intron before coding-DNA position 881, G replaced by A.
Molecular consequence: intron variant.
Genome position (GRCh38, 1-based): chr3:69,951,806, G>A. VCF-style: chr3-69951806-G-A. GRCh37 (hg19) VCF-style: chr3-70000957-G-A.
Other names: c.560-6G>A (NM_000248.3, NM_000248.4); c.830-24G>A (NM_001354607.2); c.725-24G>A (NM_001354608.2, NM_001184967.2); c.881-24G>A (NM_198159.3); c.878-6G>A (NM_001354605.2); c.878-24G>A (NM_001354606.2, NM_006722.3); c.833-24G>A (NM_198177.3); c.560-24G>A (NM_198158.3); and 1 more.
Identifiers: ClinVar variation 1215244 (VCV001215244.11), dbSNP rs752788538, ClinGen allele CA2490506.
Genomic context (GRCh38, chr3:69,951,806, plus strand): 5'-TTGTAGTTTACATTTTGTGCAACTTCAAACAGTTCCAACTTCTAATGACTTCATTCACGT[G>A]CACAGCGTGTATTTTTCCCACAGAGTCTGAAGCAAGAGCACTGGCCAAAGAGAGGCAGAA-3'

ClinVar aggregate classification (germline): Conflicting classifications of pathogenicity. Review status: criteria provided, conflicting classifications (1 of 4 stars). 3 submissions from 3 submitters: Uncertain significance (1); Likely benign (1). 1 of the submissions does not count toward it. Last evaluated 2026-01-28.

Conditions:
MITF-related disorder. Also called: MITF-related condition.
Melanoma, cutaneous malignant, susceptibility to, 8. Also called: MELANOMA AND RENAL CELL CARCINOMA, SUSCEPTIBILITY TO; Cutaneous malignant melanoma 8. Identifiers: Orphanet 293822, MedGen C3152204, MONDO:0013759, OMIM 614456.
Tietz syndrome (TADS). Also called: TIETZ ALBINISM-DEAFNESS SYNDROME; ALBINISM-DEAFNESS OF TIETZ; HYPOPIGMENTATION/DEAFNESS OF TIETZ. Identifiers: Orphanet 42665, MedGen C0391816, MONDO:0007077, OMIM 103500.
Waardenburg syndrome type 2A (WS2A). Also called: WAARDENBURG SYNDROME WITHOUT DYSTOPIA CANTHORUM. Identifiers: Orphanet 3440, MedGen C1860339, MONDO:0008671, OMIM 193510.

Allele frequency attached by ClinVar (database versions not stated): gnomAD exomes 0.00002; ExAC 0.00005; gnomAD 0.00015 and 0.00016; TOPMed 0.00016.
gnomAD v4.1: 37 of 1,611,884 alleles (0.0023%); highest among the groups gnomAD compares: African/African-American, 0.043%; no homozygotes.

Submissions (3):

Labcorp Genetics (formerly Invitae), Labcorp
Classification: Likely benign for Melanoma, cutaneous malignant, susceptibility to, 8; Waardenburg syndrome type 2A; Tietz syndrome. Last evaluated: 2026-01-28. Review status: criteria provided, single submitter. Criteria: Invitae Variant Classification Sherloc (09022015). Collection method: clinical testing. Allele origin: germline.

GeneDx
Classification: Uncertain significance. Last evaluated: 2024-09-05. Review status: criteria provided, single submitter. Criteria: GeneDx Variant Classification Process June 2021. Collection method: clinical testing. Allele origin: germline. Affected: yes.
Comment: Has not been previously published as pathogenic or benign to our knowledge; In silico analysis indicates that this variant does not alter splicing

PreventionGenetics, part of Exact Sciences
Classification: Likely benign for MITF-related condition. Last evaluated: 2019-12-16. Review status: no assertion criteria provided. Collection method: clinical testing. Allele origin: germline. Not counted in ClinVar's aggregate classification.
Comment: This variant is classified as likely benign based on ACMG/AMP sequence variant interpretation guidelines (Richards et al. 2015 PMID: 25741868, with internal and published modifications).